The following is an entry in ClinVar:

NM_006206.6(PDGFRA):c.1529A>C (p.Glu510Ala)

Gene: PDGFRA (platelet derived growth factor receptor alpha; plus strand). Cytogenetic location: 4q12.
Variant type: single nucleotide variant.
Coding change: c.1529A>C on transcript NM_006206.6 (MANE Select); coding-DNA position 1529, A replaced by C.
Protein change: p.Glu510Ala; replaces glutamic acid 510 with alanine.
Molecular consequence: missense variant.
Genome position (GRCh38, 1-based): chr4:54,273,701, A>C. VCF-style: chr4-54273701-A-C. GRCh37 (hg19) VCF-style: chr4-55139868-A-C.
Other names: c.1529A>C, p.Glu510Ala (NM_001347827.2, NM_001347829.2); c.1604A>C, p.Glu535Ala (NM_001347828.2); c.1568A>C, p.Glu523Ala (NM_001347830.2); short protein forms E523A, E535A, E510A.
Identifiers: ClinVar variation 836212 (VCV000836212.10), dbSNP rs775985327, ClinGen allele CA2922590.

ClinVar aggregate classification (germline): Uncertain significance (1 of 4 stars; one submission).

Conditions:
Gastrointestinal stromal tumor. Also called: Gastrointestinal stromal tumor, somatic; Gastrointestinal stroma tumor. Identifiers: Orphanet 44890, MedGen C0238198, MeSH D046152, MONDO:0011719, OMIM 606764, HP:0100723.

Allele frequency attached by ClinVar (database versions not stated): gnomAD exomes below 0.00001 and 0.00001; gnomAD 0.00001; ExAC 0.00002.
gnomAD v4.1: 4 of 1,613,670 alleles (0.00025%); highest among the groups gnomAD compares: East Asian, 0.0022%; no homozygotes.

Submission:

Labcorp Genetics (formerly Invitae), Labcorp
Classification: Uncertain significance for Gastrointestinal stromal tumor. Last evaluated: 2023-11-29. Review status: criteria provided, single submitter. Criteria: Invitae Variant Classification Sherloc (09022015). Collection method: clinical testing. Allele origin: germline.
Comment: This sequence change replaces glutamic acid, which is acidic and polar, with alanine, which is neutral and non-polar, at codon 510 of the PDGFRA protein (p.Glu510Ala). This variant is present in population databases (rs775985327, gnomAD 0.005%). This variant has not been reported in the literature in individuals affected with PDGFRA-related conditions. ClinVar contains an entry for this variant (Variation ID: 836212). Advanced modeling of protein sequence and biophysical properties (such as structural, functional, and spatial information, amino acid conservation, physicochemical variation, residue mobility, and thermodynamic stability) performed at Invitae indicates that this missense variant is not expected to disrupt PDGFRA protein function with a negative predictive value of 80%. In summary, the available evidence is currently insufficient to determine the role of this variant in disease. Therefore, it has been classified as a Variant of Uncertain Significance.